The following is an entry in ClinVar:

ClinVar aggregate classification (germline): Uncertain significance. Review status: criteria provided, multiple submitters, no conflicts (2 of 4 stars). 3 submissions from 3 submitters: Uncertain significance (3). Last evaluated 2026-02-01.

Conditions:
Kabuki syndrome 2 (KABUK2). Also called: KDM6A-Related Kabuki Syndrome. Identifiers: Orphanet 2322, MedGen C3275495, MONDO:0010465, OMIM 300867.

Allele frequency attached by ClinVar (database versions not stated): gnomAD exomes 0.00002 and 0.00006; gnomAD 0.00003 and 0.00004; ExAC 0.00004; TOPMed 0.00005.
gnomAD v4.1: 76 of 1,208,097 alleles (0.0063%); highest among the groups gnomAD compares: Non-Finnish European, 0.0078%; no homozygotes.

Submissions (3):

Labcorp Genetics (formerly Invitae), Labcorp
Classification: Uncertain significance for Kabuki syndrome 2. Last evaluated: 2026-02-01. Review status: criteria provided, single submitter. Criteria: Invitae Variant Classification Sherloc (09022015). Collection method: clinical testing. Allele origin: germline.
Comment: This sequence change replaces glycine, which is neutral and non-polar, with aspartic acid, which is acidic and polar, at codon 675 of the KDM6A protein (p.Gly675Asp). This variant is present in population databases (rs759576784, gnomAD 0.008%). This variant has not been reported in the literature in individuals affected with KDM6A-related conditions. ClinVar contains an entry for this variant (Variation ID: 1487311). Invitae Evidence Modeling of protein sequence and biophysical properties (such as structural, functional, and spatial information, amino acid conservation, physicochemical variation, residue mobility, and thermodynamic stability) indicates that this missense variant is not expected to disrupt KDM6A protein function with a negative predictive value of 80%. In summary, the available evidence is currently insufficient to determine the role of this variant in disease. Therefore, it has been classified as a Variant of Uncertain Significance.

GeneDx
Classification: Uncertain significance. Last evaluated: 2022-10-04. Review status: criteria provided, single submitter. Criteria: GeneDx Variant Classification Process June 2021. Collection method: clinical testing. Allele origin: germline. Affected: yes.
Comment: Has not been previously published as pathogenic or benign to our knowledge; In silico analysis supports that this missense variant has a deleterious effect on protein structure/function

Genetics and Molecular Pathology, SA Pathology
Classification: Uncertain significance for Kabuki syndrome 2. Last evaluated: 2020-04-23. Review status: criteria provided, single submitter. Criteria: ACMG Guidelines, 2015. Collection method: clinical testing. Allele origin: germline. Affected: yes.
Comment: The KDM6A c.2024G>A variant is a single nucleotide change from a guanine to an adenine at position 2024 which is predicted to change the glycine at position 675 in the protein to aspartic acid. The variant is in exon 17 and is not in a protein domain. The variant has not been described in the literature to date. The variant has been reported in dbSNP (rs759576784) but is rare in population databases (gnomAD 4/180740, 0 homozygotes, 0 hemizygotes) (PM2). The variant has not been reported in the ClinVar or HGMD disease databases. Computational predictions support a deleterious effect on the gene or gene product (PP3).

NM_001291415.2(KDM6A):c.2180G>A (p.Gly727Asp)

Gene: KDM6A (lysine demethylase 6A; plus strand). Cytogenetic location: Xp11.3.
Variant type: single nucleotide variant.
Coding change: c.2180G>A on transcript NM_001291415.2 (MANE Select); coding-DNA position 2180, G replaced by A.
Protein change: p.Gly727Asp; replaces glycine 727 with aspartic acid.
Molecular consequence: missense variant. On other transcripts: non-coding transcript variant (1).
Genome position (GRCh38, 1-based): chrX:45,069,679, G>A. VCF-style: chrX-45069679-G-A. GRCh37 (hg19) VCF-style: chrX-44928924-G-A.
Other names: c.2045G>A, p.Gly682Asp (NM_001291416.2); c.1889G>A, p.Gly630Asp (NM_001291417.2); c.1787G>A, p.Gly596Asp (NM_001291418.2); c.1136G>A, p.Gly379Asp (NM_001291421.2); c.2024G>A, p.Gly675Asp (NM_021140.4); c.2024G>A (NM_021140.2); short protein forms G682D, G630D, G675D, G727D, G379D, G596D.
Identifiers: ClinVar variation 1487311 (VCV001487311.9), dbSNP rs759576784, ClinGen allele CA10392478.